The following is an entry in ClinVar:

ClinVar aggregate classification (germline): Uncertain significance (1 of 4 stars; one submission).

Conditions:
Axenfeld-Rieger syndrome type 3 (RIEG3). Also called: AXENFELD-RIEGER ANOMALY WITH CARDIAC DEFECTS AND/OR SENSORINEURAL HEARING LOSS. Identifiers: Orphanet 782, MedGen C2678503, MONDO:0011233, OMIM 602482.

gnomAD v4.1: 4 of 1,577,896 alleles (0.00025%); highest among the groups gnomAD compares: Non-Finnish European, 0.00034%; no homozygotes.

Submission:

Labcorp Genetics (formerly Invitae), Labcorp
Classification: Uncertain significance for Axenfeld-Rieger syndrome type 3. Last evaluated: 2025-03-31. Review status: criteria provided, single submitter. Criteria: Invitae Variant Classification Sherloc (09022015). Collection method: clinical testing. Allele origin: germline.
Comment: This sequence change affects codon 41 of the FOXC1 mRNA. It is a 'silent' change, meaning that it does not change the encoded amino acid sequence of the FOXC1 protein. This variant is not present in population databases (gnomAD no frequency). This variant has not been reported in the literature in individuals affected with FOXC1-related conditions. In summary, the available evidence is currently insufficient to determine the role of this variant in disease. Therefore, it has been classified as a Variant of Uncertain Significance.

NM_001453.3(FOXC1):c.123G>C (p.Pro41=)

Gene: FOXC1 (forkhead box C1; plus strand). Cytogenetic location: 6p25.3.
Variant type: single nucleotide variant.
Coding change: c.123G>C on transcript NM_001453.3 (MANE Select); coding-DNA position 123, G replaced by C.
Protein change: p.Pro41=; no amino-acid change (proline 41 retained).
Molecular consequence: synonymous variant.
Genome position (GRCh38, 1-based): chr6:1,610,568, G>C. VCF-style: chr6-1610568-G-C. GRCh37 (hg19) VCF-style: chr6-1610803-G-C.
Identifiers: ClinVar variation 4770938 (VCV004770938.1).